The following is an entry in ClinVar:

ClinVar aggregate classification (germline): Uncertain significance (1 of 4 stars; one submission).

Conditions:
Werner syndrome (WRN). Identifiers: Orphanet 902, MedGen C0043119, MONDO:0010196, OMIM 277700.

Submission:

Labcorp Genetics (formerly Invitae), Labcorp
Classification: Uncertain significance for Werner syndrome. Last evaluated: 2023-10-06. Review status: criteria provided, single submitter. Criteria: Invitae Variant Classification Sherloc (09022015). Collection method: clinical testing. Allele origin: germline.
Comment: This sequence change replaces methionine, which is neutral and non-polar, with isoleucine, which is neutral and non-polar, at codon 1289 of the WRN protein (p.Met1289Ile). This variant is not present in population databases (gnomAD no frequency). This variant has not been reported in the literature in individuals affected with WRN-related conditions. Algorithms developed to predict the effect of missense changes on protein structure and function output the following: SIFT: "Not Available"; PolyPhen-2: "Benign"; Align-GVGD: "Not Available". The isoleucine amino acid residue is found in multiple mammalian species, which suggests that this missense change does not adversely affect protein function. In summary, the available evidence is currently insufficient to determine the role of this variant in disease. Therefore, it has been classified as a Variant of Uncertain Significance.

NM_000553.6(WRN):c.3867G>T (p.Met1289Ile)

Gene: WRN (WRN RecQ like helicase; plus strand). Cytogenetic location: 8p12.
Variant type: single nucleotide variant.
Coding change: c.3867G>T on transcript NM_000553.6 (MANE Select); coding-DNA position 3867, G replaced by T.
Protein change: p.Met1289Ile; replaces methionine 1289 with isoleucine.
Molecular consequence: missense variant.
Genome position (GRCh38, 1-based): chr8:31,157,415, G>T. VCF-style: chr8-31157415-G-T. GRCh37 (hg19) VCF-style: chr8-31014931-G-T.
Other names: short protein forms M1289I.
Identifiers: ClinVar variation 2916049 (VCV002916049.3), dbSNP rs2130480503, ClinGen allele CA370929374.